The following is an entry in ClinVar:

ClinVar aggregate classification (germline): Uncertain significance (1 of 4 stars; one submission).

gnomAD v4.1: 8 of 1,551,742 alleles (0.00052%); highest among the groups gnomAD compares: South Asian, 0.0071%; no homozygotes.

Submission:

GeneDx
Classification: Uncertain significance. Last evaluated: 2024-02-14. Review status: criteria provided, single submitter. Criteria: GeneDx Variant Classification Process June 2021. Collection method: clinical testing. Allele origin: germline. Affected: yes.
Comment: In silico analysis supports that this missense variant has a deleterious effect on protein structure/function; Has not been previously published as pathogenic or benign to our knowledge

NM_001367479.1(DNAH14):c.13600T>G (p.Cys4534Gly)

Gene: DNAH14 (dynein axonemal heavy chain 14; plus strand). Cytogenetic location: 1q42.12.
Variant type: single nucleotide variant.
Coding change: c.13600T>G on transcript NM_001367479.1 (MANE Select); coding-DNA position 13600, T replaced by G.
Protein change: p.Cys4534Gly; replaces cysteine 4534 with glycine.
Molecular consequence: missense variant.
Genome position (GRCh38, 1-based): chr1:225,398,628, T>G. VCF-style: chr1-225398628-T-G. GRCh37 (hg19) VCF-style: chr1-225586330-T-G.
Other names: NM_001373.1:c.13294T>G; short protein forms C4534G.
Identifiers: ClinVar variation 3369170 (VCV003369170.1).